The following is an entry in ClinVar:

NM_001378457.1(DMXL2):c.326dup (p.Leu109fs)

Gene: DMXL2 (Dmx like 2; minus strand). Cytogenetic location: 15q21.2.
Variant type: Duplication.
Coding change: c.326dup on transcript NM_001378457.1 (MANE Select); coding-DNA position 326, one base duplicated (T; older notation c.326dupT).
Protein change: p.Leu109fs; shifts the reading frame from leucine 109.
Molecular consequence: frameshift variant. On other transcripts: non-coding transcript variant (2).
Genome position (GRCh38, 1-based): chr15:51,565,126, A duplicated on the plus strand (T on the coding strand, the reverse complement: DMXL2 is on the minus strand); the first of 8 consecutive A bases (chr15:51,565,126-51,565,133); duplicating any one gives the same sequence. VCF-style (leftmost placement, unchanged base first): chr15-51565125-C-CA. GRCh37 (hg19) VCF-style: chr15-51857322-C-CA.
Other names: c.326dup, p.Leu109fs (NM_001174116.3, NM_001174117.3, NM_001378458.1 and 7 more transcripts); short protein forms L109fs.
Identifiers: ClinVar variation 2004424 (VCV002004424.4), dbSNP rs752363479, ClinGen allele CA7562862.

ClinVar aggregate classification (germline): Pathogenic (1 of 4 stars; one submission).

Submission:

Labcorp Genetics (formerly Invitae), Labcorp
Classification: Pathogenic. Last evaluated: 2022-06-10. Review status: criteria provided, single submitter. Criteria: Invitae Variant Classification Sherloc (09022015). Collection method: clinical testing. Allele origin: germline.
Comment: For these reasons, this variant has been classified as Pathogenic. This variant has not been reported in the literature in individuals affected with DMXL2-related conditions. The frequency data for this variant in the population databases is considered unreliable, as metrics indicate poor data quality at this position in the gnomAD database. This sequence change creates a premature translational stop signal (p.Leu109Phefs*15) in the DMXL2 gene. It is expected to result in an absent or disrupted protein product. Loss-of-function variants in DMXL2 are known to be pathogenic (PMID: 30237576, 31688942).

Literature cited by the submitters: PubMed 30237576; PubMed 31688942.